The following is an entry in ClinVar:

ClinVar aggregate classification (germline): Uncertain significance (1 of 4 stars; one submission).

Submission:

GeneDx
Classification: Uncertain significance. Last evaluated: 2024-09-11. Review status: criteria provided, single submitter. Criteria: GeneDx Variant Classification Process June 2021. Collection method: clinical testing. Allele origin: germline. Affected: yes.
Comment: Not observed at significant frequency in large population cohorts (gnomAD); In silico analysis supports that this missense variant has a deleterious effect on protein structure/function; Has not been previously published as pathogenic or benign to our knowledge

NM_198904.4(GABRG2):c.414C>G (p.Asn138Lys)

Gene: GABRG2 (gamma-aminobutyric acid type A receptor subunit gamma2; plus strand). Cytogenetic location: 5q34.
Variant type: single nucleotide variant.
Coding change: c.414C>G on transcript NM_198904.4 (MANE Select); coding-DNA position 414, C replaced by G.
Protein change: p.Asn138Lys; replaces asparagine 138 with lysine.
Molecular consequence: missense variant. On other transcripts: 5 prime UTR variant (2).
Genome position (GRCh38, 1-based): chr5:162,097,724, C>G. VCF-style: chr5-162097724-C-G. GRCh37 (hg19) VCF-style: chr5-161524730-C-G.
Other names: c.414C>G, p.Asn138Lys (NM_000816.3, NM_001375340.1, NM_001375341.1 and 4 more transcripts); c.405C>G, p.Asn135Lys (NM_001375339.1); c.348C>G, p.Asn116Lys (NM_001375345.1, NM_001375346.1); c.327C>G, p.Asn109Lys (NM_001375347.1); c.-7C>G (NM_001375348.1, NM_001375350.1); c.129C>G, p.Asn43Lys (NM_001375349.1); short protein forms N109K, N116K, N135K, N138K, N43K.
Identifiers: ClinVar variation 3769960 (VCV003769960.1).
Genomic context (GRCh38, chr5:162,097,724, plus strand): 5'-GCAAACGTGGTATGACAGACGTTTGAAATTTAACAGCACCATTAAAGTCCTCCGATTGAA[C>G]AGCAACATGGTGGGGAAAATCTGGATTCCAGACACTTTCTTCAGAAATTCCAAAAAAGCT-3'
Protein context (NP_944494.1, residues 128-148): FNSTIKVLRL[Asn138Lys]SNMVGKIWIP